The following is an entry in ClinVar:

ClinVar aggregate classification (germline): Likely benign (1 of 4 stars; one submission).

Submission:

GeneDx
Classification: Likely benign. Last evaluated: 2020-04-09. Review status: criteria provided, single submitter. Criteria: GeneDx Variant Classification Process June 2021. Collection method: clinical testing. Allele origin: germline. Affected: yes.
Comment: See Variant Classification Assertion Criteria.

NM_004525.3(LRP2):c.8006-199_8006-198del

Gene: LRP2 (LDL receptor related protein 2; minus strand). Cytogenetic location: 2q31.1.
Variant type: Microsatellite.
Coding change: c.8006-199_8006-198del on transcript NM_004525.3 (MANE Select); 199 bases into the intron before coding-DNA position 8006 through 198 bases into the intron before coding-DNA position 8006, 2 bases deleted (CA; older notation c.8006-199_8006-198delCA).
Molecular consequence: intron variant.
Genome position (GRCh38, 1-based): chr2:169,203,157-169,203,158, TG deleted on the plus strand (CA on the coding strand, the reverse complement: LRP2 is on the minus strand); deleting any 2 consecutive bases within chr2:169,203,157-169,203,160 gives the same sequence; the c. name uses the placement nearest the transcript's 3' end. VCF-style (leftmost placement, unchanged base first): chr2-169203156-ATG-A. GRCh37 (hg19) VCF-style: chr2-170059666-ATG-A.
Identifiers: ClinVar variation 2502579 (VCV002502579.1), dbSNP rs200729164, ClinGen allele CA59930975.